The following is an entry in ClinVar:

ClinVar aggregate classification (germline): Uncertain significance (1 of 4 stars; one submission).

Allele frequency attached by ClinVar (database versions not stated): gnomAD 0.00015; ExAC 0.00016.
gnomAD v4.1: 188 of 1,510,454 alleles (0.012%); highest among the groups gnomAD compares: Non-Finnish European, 0.0024%; no homozygotes.

Submission:

Labcorp Genetics (formerly Invitae), Labcorp
Classification: Uncertain significance. Last evaluated: 2024-10-29. Review status: criteria provided, single submitter. Criteria: Invitae Variant Classification Sherloc (09022015). Collection method: clinical testing. Allele origin: germline.
Comment: This sequence change falls in intron 4 of the EXOSC8 gene. It does not directly change the encoded amino acid sequence of the EXOSC8 protein. It affects a nucleotide within the consensus splice site. This variant is present in population databases (rs201694694, gnomAD 0.3%). This variant has not been reported in the literature in individuals affected with EXOSC8-related conditions. ClinVar contains an entry for this variant (Variation ID: 1931846). Variants that disrupt the consensus splice site are a relatively common cause of aberrant splicing (PMID: 17576681, 9536098). Algorithms developed to predict the effect of sequence changes on RNA splicing suggest that this variant may disrupt the consensus splice site. In summary, the available evidence is currently insufficient to determine the role of this variant in disease. Therefore, it has been classified as a Variant of Uncertain Significance.

Literature cited by the submitters: PubMed 17576681; PubMed 9536098.

NM_181503.3(EXOSC8):c.192+5G>C

Gene: EXOSC8 (exosome component 8; plus strand). Cytogenetic location: 13q13.3.
Variant type: single nucleotide variant.
Coding change: c.192+5G>C on transcript NM_181503.3 (MANE Select); 5 bases into the intron after coding-DNA position 192, G replaced by C.
Molecular consequence: intron variant.
Genome position (GRCh38, 1-based): chr13:37,003,012, G>C. VCF-style: chr13-37003012-G-C. GRCh37 (hg19) VCF-style: chr13-37577149-G-C.
Identifiers: ClinVar variation 1931846 (VCV001931846.5), dbSNP rs201694694, ClinGen allele CA6951127.
Genomic context (GRCh38, chr13:37,003,012, plus strand): 5'-ATGGTTCTGCTTTAGTGAAGTTGGGAAATACTACAGTAATCTGTGGAGTTAAAGCAGTAA[G>C]TCTAAATATGTCCTATTGAGATTTGAGTTACAAAGTTAGCTTTATTTATTAGATTGTAAT-3'